The following is an entry in ClinVar:

ClinVar aggregate classification (germline): Pathogenic (1 of 4 stars; one submission).

Conditions:
Peutz-Jeghers syndrome (PJS). Also called: POLYPOSIS, HAMARTOMATOUS INTESTINAL; POLYPS-AND-SPOTS SYNDROME; Peutz-Jeghers polyposis; Periorificial lentiginosis syndrome. Identifiers: Orphanet 2869, MedGen C0031269, MeSH D010580, MONDO:0008280, OMIM 175200.

Submission:

Labcorp Genetics (formerly Invitae), Labcorp
Classification: Pathogenic for Peutz-Jeghers syndrome. Last evaluated: 2023-09-14. Review status: criteria provided, single submitter. Criteria: Invitae Variant Classification Sherloc (09022015). Collection method: clinical testing. Allele origin: unknown.
Comment: For these reasons, this variant has been classified as Pathogenic. This variant disrupts a region of the STK11 protein in which other variant(s) (p.Trp308Cys) have been determined to be pathogenic (PMID: 9837816, 15863673, 17404884, 17924967, 19727776, 23527983, 27721366). This suggests that this is a clinically significant region of the protein, and that variants that disrupt it are likely to be disease-causing. This variant has not been reported in the literature in individuals affected with STK11-related conditions. This variant is a gross deletion of the genomic region encompassing exon(s) 7-9 of the STK11 gene, which includes the termination codon. This deletion extends beyond the assayed region for this gene and therefore may encompass additional genes. While this deletion is not anticipated to lead to nonsense mediated decay, it is expected to alter mRNA translation or result in a truncated protein product.

Literature cited by the submitters: PubMed 9837816; PubMed 15863673; PubMed 17404884; PubMed 17924967; PubMed 19727776; PubMed 23527983; PubMed 27721366.

NC_000019.9:g.(?_1221938)_(1226646_?)del

Gene: STK11 (serine/threonine kinase 11; plus strand). Cytogenetic location: 19p13.3.
Variant type: Deletion.
Identifiers: ClinVar variation 3248411 (VCV003248411.1).